The following is an entry in ClinVar:

NM_020921.4(NIN):c.97C>G (p.Leu33Val)

Genes: NIN (ninein; minus strand), LOC105370489 (uncharacterized LOC105370489; plus strand). Cytogenetic location: 14q22.1.
Variant type: single nucleotide variant.
Coding change: c.97C>G on transcript NM_020921.4 (MANE Select); coding-DNA position 97, C replaced by G.
Protein change: p.Leu33Val; replaces leucine 33 with valine.
Molecular consequence: missense variant.
Genome position (GRCh38, 1-based): chr14:50,821,960, G>C on the plus strand (C>G on the coding strand, the complement: NIN is on the minus strand). VCF-style: chr14-50821960-G-C. GRCh37 (hg19) VCF-style: chr14-51288678-G-C.
Other names: c.97C>G, p.Leu33Val (NM_016350.5, NM_182944.3, NM_182946.2); short protein forms L33V.
Identifiers: ClinVar variation 2875497 (VCV002875497.3), dbSNP rs1448488913, ClinGen allele CA389684736.

ClinVar aggregate classification (germline): Uncertain significance (1 of 4 stars; one submission).

Allele frequency attached by ClinVar (database versions not stated): gnomAD exomes below 0.00001.
gnomAD v4.1: 1 of 1,614,170 alleles (0.000062%); highest among the groups gnomAD compares: Non-Finnish European, 0.000085%; no homozygotes.

Submission:

Labcorp Genetics (formerly Invitae), Labcorp
Classification: Uncertain significance. Last evaluated: 2023-01-28. Review status: criteria provided, single submitter. Criteria: Invitae Variant Classification Sherloc (09022015). Collection method: clinical testing. Allele origin: germline.
Comment: This sequence change replaces leucine, which is neutral and non-polar, with valine, which is neutral and non-polar, at codon 33 of the NIN protein (p.Leu33Val). This variant is present in population databases (no rsID available, gnomAD 0.0009%). This variant has not been reported in the literature in individuals affected with NIN-related conditions. Algorithms developed to predict the effect of missense changes on protein structure and function are either unavailable or do not agree on the potential impact of this missense change (SIFT: "Deleterious"; PolyPhen-2: "Probably Damaging"; Align-GVGD: "Class C0"). In summary, the available evidence is currently insufficient to determine the role of this variant in disease. Therefore, it has been classified as a Variant of Uncertain Significance.